The following is an entry in ClinVar:

NM_001363711.2(DUOX2):c.3740A>T (p.His1247Leu)

Gene: DUOX2 (dual oxidase 2; minus strand). Cytogenetic location: 15q21.1.
Variant type: single nucleotide variant.
Coding change: c.3740A>T on transcript NM_001363711.2 (MANE Select); coding-DNA position 3740, A replaced by T.
Protein change: p.His1247Leu; replaces histidine 1247 with leucine.
Molecular consequence: missense variant.
Genome position (GRCh38, 1-based): chr15:45,097,345, T>A on the plus strand (A>T on the coding strand, the complement: DUOX2 is on the minus strand). VCF-style: chr15-45097345-T-A. GRCh37 (hg19) VCF-style: chr15-45389543-T-A.
Other names: c.3740A>T, p.His1247Leu (NM_014080.5); c.3740A>T (NM_014080.4); short protein forms H1247L.
Identifiers: ClinVar variation 2904523 (VCV002904523.4), dbSNP rs2504743344, ClinGen allele CA392255098.

ClinVar aggregate classification (germline): Uncertain significance. Review status: criteria provided, multiple submitters, no conflicts (2 of 4 stars). 2 submissions from 2 submitters: Uncertain significance (2). Last evaluated 2025-02-18.

Conditions:
Inborn genetic diseases. Identifiers: MedGen C0950123, MeSH D030342.

gnomAD v4.1: 16 of 1,614,186 alleles (0.00099%); highest among the groups gnomAD compares: Non-Finnish European, 0.0014%; no homozygotes.

Submissions (2):

Ambry Genetics
Classification: Uncertain significance for Inborn genetic diseases. Last evaluated: 2025-02-18. Review status: criteria provided, single submitter. Criteria: Ambry Variant Classification Scheme 2023. Collection method: clinical testing. Allele origin: germline.

Labcorp Genetics (formerly Invitae), Labcorp
Classification: Uncertain significance. Last evaluated: 2023-11-27. Review status: criteria provided, single submitter. Criteria: Invitae Variant Classification Sherloc (09022015). Collection method: clinical testing. Allele origin: germline.
Comment: This sequence change replaces histidine, which is basic and polar, with leucine, which is neutral and non-polar, at codon 1247 of the DUOX2 protein (p.His1247Leu). This variant is not present in population databases (gnomAD no frequency). This variant has not been reported in the literature in individuals affected with DUOX2-related conditions. Advanced modeling of protein sequence and biophysical properties (such as structural, functional, and spatial information, amino acid conservation, physicochemical variation, residue mobility, and thermodynamic stability) performed at Invitae indicates that this missense variant is not expected to disrupt DUOX2 protein function with a negative predictive value of 80%. In summary, the available evidence is currently insufficient to determine the role of this variant in disease. Therefore, it has been classified as a Variant of Uncertain Significance.